The following is an entry in ClinVar:

NM_015378.4(VPS13D):c.4995G>T (p.Gln1665His)

Gene: VPS13D (vacuolar protein sorting 13 homolog D; plus strand). Cytogenetic location: 1p36.22.
Variant type: single nucleotide variant.
Coding change: c.4995G>T on transcript NM_015378.4 (MANE Select); coding-DNA position 4995, G replaced by T.
Protein change: p.Gln1665His; replaces glutamine 1665 with histidine.
Molecular consequence: missense variant.
Genome position (GRCh38, 1-based): chr1:12,283,097, G>T. VCF-style: chr1-12283097-G-T. GRCh37 (hg19) VCF-style: chr1-12343154-G-T.
Other names: c.4995G>T, p.Gln1665His (NM_018156.4); short protein forms Q1665H.
Identifiers: ClinVar variation 4874106 (VCV004874106.2).

ClinVar aggregate classification (germline): Uncertain significance (1 of 4 stars; one submission).

Submission:

CeGaT Center for Human Genetics Tuebingen
Classification: Uncertain significance. Last evaluated: 2026-06-01. Review status: criteria provided, single submitter. Criteria: CeGaT Center For Human Genetics Tuebingen Variant Classification Criteria Version 2. Collection method: clinical testing. Allele origin: germline. Affected: yes. Observed: 1 variant allele.
Comment: VPS13D: PM2